The following is an entry in ClinVar:

ClinVar aggregate classification (germline): Pathogenic (1 of 4 stars; one submission).

Conditions:
Dent disease type 1 (DENT1). Also called: NEPHROLITHIASIS 2; NEPHROLITHIASIS, HYPERCALCIURIC, X-LINKED. Identifiers: Orphanet 1652, Orphanet 93622, MedGen C1848336, MONDO:0010225, OMIM 300009.

Submission:

Mendelics
Classification: Pathogenic for Dent disease type 1. Last evaluated: 2026-03-28. Review status: criteria provided, single submitter. Criteria: ACMG Guidelines, 2015. Collection method: clinical testing. Allele origin: unknown.
Comment: This deletion (or similar) has not been previously described in the medical literature, but structural events account for approximately 8% of the variants identified in the CLCN5 gene (PMID 22876375).

Literature cited by the submitters: PubMed 22876375.

NM_001127898.4(CLCN5):c.727-7_933+3del

Gene: CLCN5 (Cl-/H+ antiporter 5; plus strand). Cytogenetic location: Xp11.23.
Variant type: Deletion.
Coding change: c.727-7_933+3del on transcript NM_001127898.4 (MANE Select); 7 bases into the intron before coding-DNA position 727 through 3 bases into the intron after coding-DNA position 933, 217 bases deleted.
Molecular consequence: splice acceptor variant, splice donor variant.
Genome position (GRCh38, 1-based): chrX:50,081,634-50,081,850, 217 bases deleted. GRCh37 (hg19): chrX:49,846,291-49,846,507.
Other names: c.739-7_945+3del (NM_001440757.1, NM_001440756.1); c.727-7_933+3del (NM_001127899.4); c.517-7_723+3del (NM_000084.5); c.577-7_783+3del (NM_001282163.2).
Identifiers: ClinVar variation 4820224 (VCV004820224.1).